The following is an entry in ClinVar:

ClinVar aggregate classification (germline): Conflicting classifications of pathogenicity. Review status: criteria provided, conflicting classifications (1 of 4 stars). 2 submissions from 2 submitters: Uncertain significance (1); Likely benign (1). Last evaluated 2025-05-08.

Conditions:
Hereditary cancer-predisposing syndrome. Also called: Neoplastic Syndromes, Hereditary; Hereditary Cancer Syndrome; Tumor predisposition; Hereditary neoplastic syndrome. Identifiers: Orphanet 140162, MedGen C0027672, MeSH D009386, MONDO:0015356.
Neuroblastoma, susceptibility to, 3. Also called: ALK-Related Neuroblastic Tumor Susceptibility. Identifiers: Orphanet 635, MedGen C2751681, MONDO:0013083, OMIM 613014.

Allele frequency attached by ClinVar (database versions not stated): gnomAD exomes below 0.00001 and 0.00002.
gnomAD v4.1: 9 of 1,614,070 alleles (0.00056%); highest among the groups gnomAD compares: East Asian, 0.018%; no homozygotes.

Submissions (2):

Labcorp Genetics (formerly Invitae), Labcorp
Classification: Uncertain significance for Neuroblastoma, susceptibility to, 3. Last evaluated: 2025-05-08. Review status: criteria provided, single submitter. Criteria: Invitae Variant Classification Sherloc (09022015). Collection method: clinical testing. Allele origin: germline.
Comment: This sequence change replaces arginine, which is basic and polar, with histidine, which is basic and polar, at codon 179 of the ALK protein (p.Arg179His). This variant is present in population databases (no rsID available, gnomAD 0.003%). This variant has not been reported in the literature in individuals affected with ALK-related conditions. ClinVar contains an entry for this variant (Variation ID: 1436502). An algorithm developed to predict the effect of missense changes on protein structure and function outputs the following: PolyPhen-2: "Benign". The histidine amino acid residue is found in multiple mammalian species, which suggests that this missense change does not adversely affect protein function. In summary, the available evidence is currently insufficient to determine the role of this variant in disease. Therefore, it has been classified as a Variant of Uncertain Significance.

Ambry Genetics
Classification: Likely benign for Hereditary cancer-predisposing syndrome. Last evaluated: 2022-05-01. Review status: criteria provided, single submitter. Criteria: Ambry Variant Classification Scheme 2023. Collection method: clinical testing. Allele origin: germline.

NM_004304.5(ALK):c.536G>A (p.Arg179His)

Gene: ALK (ALK receptor tyrosine kinase; minus strand). Cytogenetic location: 2p23.1.
Variant type: single nucleotide variant.
Coding change: c.536G>A on transcript NM_004304.5 (MANE Select); coding-DNA position 536, G replaced by A.
Protein change: p.Arg179His; replaces arginine 179 with histidine.
Molecular consequence: missense variant.
Genome position (GRCh38, 1-based): chr2:29,920,124, C>T on the plus strand (G>A on the coding strand, the complement: ALK is on the minus strand). VCF-style: chr2-29920124-C-T. GRCh37 (hg19) VCF-style: chr2-30142990-C-T.
Other names: short protein forms R179H.
Identifiers: ClinVar variation 1436502 (VCV001436502.8), dbSNP rs1316424431, ClinGen allele CA346589846.
Genomic context (GRCh38, chr2:29,920,124, plus strand): 5'-CCCACTTCCGACGCCTTCTTCTCGGGCATCAGGCGGATCCTCAGTCGCCCTTCGCCTTGG[C>T]GAATCCACCAACTGAACAGCTCGCTGAGATTGAACTGGAGCAGCCCCACAGCCGCCTCCC-3'
Protein context (NP_004295.2, residues 169-189): NLSELFSWWI[Arg179His]QGEGRLRIRL